The following is an entry in ClinVar:

ClinVar aggregate classification (germline): Uncertain significance (1 of 4 stars; one submission).

Conditions:
Inborn genetic diseases. Identifiers: MedGen C0950123, MeSH D030342.

gnomAD v4.1: 1 of 1,614,080 alleles (0.000062%); highest among the groups gnomAD compares: Non-Finnish European, 0.000085%; no homozygotes.

Submission:

Ambry Genetics
Classification: Uncertain significance for Inborn genetic diseases. Last evaluated: 2025-05-29. Review status: criteria provided, single submitter. Criteria: Ambry Variant Classification Scheme 2023. Collection method: clinical testing. Allele origin: germline.
Comment: The p.R302S variant (also known as c.904C>A), located in coding exon 10 of the ASXL1 gene, results from a C to A substitution at nucleotide position 904. The arginine at codon 302 is replaced by serine, an amino acid with dissimilar properties. This amino acid position is conserved. In addition, the in silico prediction for this alteration is inconclusive. Based on the available evidence, the clinical significance of this variant remains unclear.

NM_015338.6(ASXL1):c.904C>A (p.Arg302Ser)

Gene: ASXL1 (ASXL transcriptional regulator 1; plus strand). Cytogenetic location: 20q11.21.
Variant type: single nucleotide variant.
Coding change: c.904C>A on transcript NM_015338.6 (MANE Select); coding-DNA position 904, C replaced by A.
Protein change: p.Arg302Ser; replaces arginine 302 with serine.
Molecular consequence: missense variant.
Genome position (GRCh38, 1-based): chr20:32,431,604, C>A. VCF-style: chr20-32431604-C-A. GRCh37 (hg19) VCF-style: chr20-31019407-C-A.
Other names: c.721C>A, p.Arg241Ser (NM_001363734.1); short protein forms R302S, R241S.
Identifiers: ClinVar variation 3957378 (VCV003957378.1).